The following is an entry in ClinVar:

ClinVar aggregate classification (germline): Conflicting classifications of pathogenicity. Review status: criteria provided, conflicting classifications (1 of 4 stars). 4 submissions from 3 submitters: Uncertain significance (2); Likely benign (2). Last evaluated 2024-08-05.

Conditions:
Schwartz-Jampel syndrome. Also called: Myotonic myopathy dwarfism chondrodystrophy and ocular and facial abnormalities. Identifiers: Orphanet 800, MedGen C0036391, MONDO:0009717.
Lethal Kniest-like syndrome (DDSH). Also called: Dyssegmental Dysplasia. Identifiers: Orphanet 1865, MedGen C1857100, MONDO:0009140, OMIM 224410.

Allele frequency attached by ClinVar (database versions not stated): gnomAD exomes below 0.00001 and 0.00002; TOPMed 0.00001.

Submissions (4):

Labcorp Genetics (formerly Invitae), Labcorp
Classification: Likely benign. Last evaluated: 2024-08-05. Review status: criteria provided, single submitter. Criteria: Invitae Variant Classification Sherloc (09022015). Collection method: clinical testing. Allele origin: germline.

CeGaT Center for Human Genetics Tuebingen
Classification: Likely benign. Last evaluated: 2022-12-01. Review status: criteria provided, single submitter. Criteria: CeGaT Center For Human Genetics Tuebingen Variant Classification Criteria Version 2. Collection method: clinical testing. Allele origin: germline. Affected: yes. Observed: 2 variant alleles.
Comment: HSPG2: BP4, BP7

Illumina Laboratory Services, Illumina
Classification: Uncertain significance for Lethal Kniest-like syndrome. Last evaluated: 2018-01-12. Review status: criteria provided, single submitter. Criteria: ICSL Variant Classification Criteria 13 December 2019. Collection method: clinical testing. Allele origin: germline.

Illumina Laboratory Services, Illumina
Classification: Uncertain significance for Schwartz-Jampel syndrome type 1. Last evaluated: 2018-01-12. Review status: criteria provided, single submitter. Criteria: ICSL Variant Classification Criteria 13 December 2019. Collection method: clinical testing. Allele origin: germline.

NM_005529.7(HSPG2):c.3207G>A (p.Gly1069=)

Gene: HSPG2 (heparan sulfate proteoglycan 2; minus strand). Cytogenetic location: 1p36.12.
Variant type: single nucleotide variant.
Coding change: c.3207G>A on transcript NM_005529.7 (MANE Select); coding-DNA position 3207, G replaced by A.
Protein change: p.Gly1069=; no amino-acid change (glycine 1069 retained).
Molecular consequence: synonymous variant.
Genome position (GRCh38, 1-based): chr1:21,875,724, C>T on the plus strand (G>A on the coding strand, the complement: HSPG2 is on the minus strand). VCF-style: chr1-21875724-C-T. GRCh37 (hg19) VCF-style: chr1-22202217-C-T.
Other names: c.3210G>A, p.Gly1070= (NM_001291860.2).
Identifiers: ClinVar variation 295865 (VCV000295865.42), dbSNP rs886046038, ClinGen allele CA10610035.